The following is an entry in ClinVar:

NM_005228.5(EGFR):c.2491C>G (p.Arg831Gly)

Gene: EGFR (epidermal growth factor receptor; plus strand). Cytogenetic location: 7p11.2.
Variant type: single nucleotide variant.
Coding change: c.2491C>G on transcript NM_005228.5 (MANE Select); coding-DNA position 2491, C replaced by G.
Protein change: p.Arg831Gly; replaces arginine 831 with glycine.
Molecular consequence: missense variant.
Genome position (GRCh38, 1-based): chr7:55,191,740, C>G. VCF-style: chr7-55191740-C-G. GRCh37 (hg19) VCF-style: chr7-55259433-C-G.
Other names: c.2356C>G, p.Arg786Gly (NM_001346897.2, NM_001346899.2); c.2491C>G, p.Arg831Gly (NM_001346898.2); c.2332C>G, p.Arg778Gly (NM_001346900.2); c.1690C>G, p.Arg564Gly (NM_001346941.2); short protein forms R564G, R778G, R786G, R831G.
Identifiers: ClinVar variation 3843760 (VCV003843760.1).

ClinVar aggregate classification (germline): Uncertain significance (1 of 4 stars; one submission).

Conditions:
Hereditary cancer-predisposing syndrome. Also called: Hereditary neoplastic syndrome; Neoplastic Syndromes, Hereditary; Tumor predisposition; Hereditary Cancer Syndrome. Identifiers: Orphanet 140162, MedGen C0027672, MeSH D009386, MONDO:0015356.

Submission:

Ambry Genetics
Classification: Uncertain significance for Hereditary cancer-predisposing syndrome. Last evaluated: 2024-12-23. Review status: criteria provided, single submitter. Criteria: Ambry Variant Classification Scheme 2023. Collection method: clinical testing. Allele origin: germline.
Comment: The p.R831G variant (also known as c.2491C>G), located in coding exon 21 of the EGFR gene, results from a C to G substitution at nucleotide position 2491. The arginine at codon 831 is replaced by glycine, an amino acid with dissimilar properties. This amino acid position is well conserved in available vertebrate species. In addition, this alteration is predicted to be deleterious by in silico analysis. Based on the available evidence, the clinical significance of this variant remains unclear.